The following is an entry in ClinVar:

ClinVar aggregate classification (germline): Uncertain significance. Review status: criteria provided, multiple submitters, no conflicts (2 of 4 stars). 2 submissions from 2 submitters: Uncertain significance (2). Last evaluated 2025-09-01.

Conditions:
Hereditary cancer-predisposing syndrome. Also called: Neoplastic Syndromes, Hereditary; Hereditary neoplastic syndrome; Tumor predisposition; Hereditary Cancer Syndrome. Identifiers: Orphanet 140162, MedGen C0027672, MeSH D009386, MONDO:0015356.
Familial cancer of breast. Also called: BREAST CANCER, FAMILIAL; hereditary breast carcinoma; Hereditary breast cancer. Identifiers: Orphanet 227535, MedGen C0346153, MONDO:0016419, OMIM 114480. Disease mechanism: loss of function.

Submissions (2):

Ambry Genetics
Classification: Uncertain significance for Hereditary cancer-predisposing syndrome. Last evaluated: 2025-09-01. Review status: criteria provided, single submitter. Criteria: Ambry Variant Classification Scheme 2023. Collection method: clinical testing. Allele origin: germline.
Comment: The p.D500V variant (also known as c.1499A>T), located in coding exon 6 of the BARD1 gene, results from an A to T substitution at nucleotide position 1499. The aspartic acid at codon 500 is replaced by valine, an amino acid with highly dissimilar properties. This amino acid position is highly conserved in available vertebrate species. In addition, this alteration is predicted to be deleterious by in silico analysis. Since supporting evidence is limited at this time, the clinical significance of this alteration remains unclear.

Labcorp Genetics (formerly Invitae), Labcorp
Classification: Uncertain significance for Familial cancer of breast. Last evaluated: 2025-06-09. Review status: criteria provided, single submitter. Criteria: Invitae Variant Classification Sherloc (09022015). Collection method: clinical testing. Allele origin: germline.
Comment: This sequence change replaces aspartic acid, which is acidic and polar, with valine, which is neutral and non-polar, at codon 500 of the BARD1 protein (p.Asp500Val). This variant is not present in population databases (gnomAD no frequency). This variant has not been reported in the literature in individuals affected with BARD1-related conditions. ClinVar contains an entry for this variant (Variation ID: 237820). An algorithm developed to predict the effect of missense changes on protein structure and function (PolyPhen-2) suggests that this variant is likely to be disruptive. In summary, the available evidence is currently insufficient to determine the role of this variant in disease. Therefore, it has been classified as a Variant of Uncertain Significance.

NM_000465.4(BARD1):c.1499A>T (p.Asp500Val)

Gene: BARD1 (BRCA1 associated RING domain 1; minus strand). Cytogenetic location: 2q35.
Variant type: single nucleotide variant.
Coding change: c.1499A>T on transcript NM_000465.4 (MANE Select); coding-DNA position 1499, A replaced by T.
Protein change: p.Asp500Val; replaces aspartic acid 500 with valine.
Molecular consequence: missense variant. On other transcripts: non-coding transcript variant (3), intron variant (3).
Genome position (GRCh38, 1-based): chr2:214,767,551, T>A on the plus strand (A>T on the coding strand, the complement: BARD1 is on the minus strand). VCF-style: chr2-214767551-T-A. GRCh37 (hg19) VCF-style: chr2-215632275-T-A.
Other names: c.1442A>T, p.Asp481Val (NM_001282543.2); c.159-14996A>T (NM_001282548.2); c.216-14996A>T (NM_001282545.2); c.364+24746A>T (NM_001282549.2); short protein forms D500V, D481V.
Identifiers: ClinVar variation 237820 (VCV000237820.16), dbSNP rs878854001, ClinGen allele CA10581925.